The following is an entry in ClinVar:

NM_004991.4(MECOM):c.581A>G (p.Tyr194Cys)

Gene: MECOM (MDS1 and EVI1 complex locus; minus strand). Cytogenetic location: 3q26.2.
Variant type: single nucleotide variant.
Coding change: c.581A>G on transcript NM_004991.4 (MANE Select); coding-DNA position 581, A replaced by G.
Protein change: p.Tyr194Cys; replaces tyrosine 194 with cysteine.
Molecular consequence: missense variant.
Genome position (GRCh38, 1-based): chr3:169,131,461, T>C on the plus strand (A>G on the coding strand, the complement: MECOM is on the minus strand). VCF-style: chr3-169131461-T-C. GRCh37 (hg19) VCF-style: chr3-168849249-T-C.
Other names: c.209A>G, p.Tyr70Cys (NM_001105077.4); c.17A>G, p.Tyr6Cys (NM_001105078.4, NM_001163999.2, NM_001164000.2 and 9 more transcripts); c.581A>G, p.Tyr194Cys (NM_001366466.2, NM_001366473.2); short protein forms Y194C, Y6C, Y70C.
Identifiers: ClinVar variation 4053233 (VCV004053233.1).

ClinVar aggregate classification (germline): Uncertain significance (1 of 4 stars; one submission).

Conditions:
Inborn genetic diseases. Identifiers: MedGen C0950123, MeSH D030342.

gnomAD v4.1: 10 of 1,614,046 alleles (0.00062%); highest among the groups gnomAD compares: African/African-American, 0.0013%; no homozygotes.

Submission:

Ambry Genetics
Classification: Uncertain significance for Inborn genetic diseases. Last evaluated: 2025-05-03. Review status: criteria provided, single submitter. Criteria: Ambry Variant Classification Scheme 2023. Collection method: clinical testing. Allele origin: germline.
Comment: The p.Y194C variant (also known as c.581A>G), located in coding exon 4 of the MECOM gene, results from an A to G substitution at nucleotide position 581. The tyrosine at codon 194 is replaced by cysteine, an amino acid with highly dissimilar properties. This amino acid position is conserved. In addition, the in silico prediction for this alteration is inconclusive. Based on the available evidence, the clinical significance of this variant remains unclear.